The following is an entry in ClinVar:

ClinVar aggregate classification (germline): Conflicting classifications of pathogenicity. Review status: criteria provided, conflicting classifications (1 of 4 stars). 2 submissions from 2 submitters: Uncertain significance (1); Likely benign (1). Last evaluated 2026-04-01.

Conditions:
Hereditary cancer-predisposing syndrome. Also called: Hereditary neoplastic syndrome; Neoplastic Syndromes, Hereditary; Tumor predisposition; Hereditary Cancer Syndrome. Identifiers: Orphanet 140162, MedGen C0027672, MeSH D009386, MONDO:0015356.
Ataxia-telangiectasia syndrome (AT). Also called: ATAXIA-TELANGIECTASIA, COMPLEMENTATION GROUP A; ATAXIA-TELANGIECTASIA, FRESNO VARIANT; Ataxia-telangiectasia; LOUIS-BAR SYNDROME; Cerebello-oculocutaneous telangiectasia; Immunodeficiency with ataxia telangiectasia. Identifiers: Orphanet 100, MedGen C0004135, MONDO:0008840, OMIM 208900.

Allele frequency attached by ClinVar (database versions not stated): gnomAD exomes below 0.00001.
gnomAD v4.1: 3 of 1,604,028 alleles (0.00019%); highest among the groups gnomAD compares: Non-Finnish European, 0.00026%; no homozygotes.

Submissions (2):

Ambry Genetics
Classification: Likely benign for Hereditary cancer-predisposing syndrome. Last evaluated: 2026-04-01. Review status: criteria provided, single submitter. Criteria: Ambry Variant Classification Scheme 2023. Collection method: clinical testing. Allele origin: germline.

Labcorp Genetics (formerly Invitae), Labcorp
Classification: Uncertain significance for Ataxia-telangiectasia syndrome. Last evaluated: 2023-04-27. Review status: criteria provided, single submitter. Criteria: Invitae Variant Classification Sherloc (09022015). Collection method: clinical testing. Allele origin: germline.
Comment: In summary, the available evidence is currently insufficient to determine the role of this variant in disease. Therefore, it has been classified as a Variant of Uncertain Significance. Algorithms developed to predict the effect of missense changes on protein structure and function output the following: SIFT: "Not Available"; PolyPhen-2: "Benign"; Align-GVGD: "Not Available". The alanine amino acid residue is found in multiple mammalian species, which suggests that this missense change does not adversely affect protein function. This variant has not been reported in the literature in individuals affected with ATM-related conditions. This variant is not present in population databases (gnomAD no frequency). This sequence change replaces glutamic acid, which is acidic and polar, with alanine, which is neutral and non-polar, at codon 1133 of the ATM protein (p.Glu1133Ala).

Literature cited by the submitters: PubMed 40580951 (cited by Ambry Genetics).

NM_000051.4(ATM):c.3398A>C (p.Glu1133Ala)

Gene: ATM (ATM serine/threonine kinase; plus strand). Cytogenetic location: 11q22.3.
Variant type: single nucleotide variant.
Coding change: c.3398A>C on transcript NM_000051.4 (MANE Select); coding-DNA position 3398, A replaced by C.
Protein change: p.Glu1133Ala; replaces glutamic acid 1133 with alanine.
Molecular consequence: missense variant.
Genome position (GRCh38, 1-based): chr11:108,279,604, A>C. VCF-style: chr11-108279604-A-C. GRCh37 (hg19) VCF-style: chr11-108150331-A-C.
Other names: c.3398A>C, p.Glu1133Ala (NM_001351834.2); short protein forms E1133A.
Identifiers: ClinVar variation 2859716 (VCV002859716.4), dbSNP rs1565439583, ClinGen allele CA382517861.